The following is an entry in ClinVar:

ClinVar aggregate classification (germline): Uncertain significance (1 of 4 stars; one submission).

Allele frequency attached by ClinVar (database versions not stated): TOPMed below 0.00001; gnomAD 0.00001.
gnomAD v4.1: 1 of 1,210,278 alleles (0.000083%); highest among the groups gnomAD compares: African/African-American, 0.0017%; no homozygotes.

Submission:

GeneDx
Classification: Uncertain significance. Last evaluated: 2023-07-01. Review status: criteria provided, single submitter. Criteria: GeneDx Variant Classification Process June 2021. Collection method: clinical testing. Allele origin: germline. Affected: yes.
Comment: Has not been previously published as pathogenic or benign to our knowledge; Not observed at significant frequency in large population cohorts (gnomAD); In silico analysis supports that this missense variant has a deleterious effect on protein structure/function; This variant is associated with the following publications: (PMID: 20473311)

NM_001111125.3(IQSEC2):c.2209G>A (p.Glu737Lys)

Gene: IQSEC2 (IQ motif and Sec7 domain ArfGEF 2; minus strand). Cytogenetic location: Xp11.22.
Variant type: single nucleotide variant.
Coding change: c.2209G>A on transcript NM_001111125.3 (MANE Select); coding-DNA position 2209, G replaced by A.
Protein change: p.Glu737Lys; replaces glutamic acid 737 with lysine.
Molecular consequence: missense variant.
Genome position (GRCh38, 1-based): chrX:53,250,367, C>T on the plus strand (G>A on the coding strand, the complement: IQSEC2 is on the minus strand). VCF-style: chrX-53250367-C-T. GRCh37 (hg19) VCF-style: chrX-53279549-C-T.
Other names: c.2209G>A, p.Glu737Lys (NM_001410736.1); c.1594G>A, p.Glu532Lys (NM_015075.2); short protein forms E532K, E737K.
Identifiers: ClinVar variation 2507188 (VCV002507188.1), dbSNP rs994568186, ClinGen allele CA329166032.